The following is an entry in ClinVar:

ClinVar aggregate classification (germline): Conflicting classifications of pathogenicity. Review status: criteria provided, conflicting classifications (1 of 4 stars). 4 submissions from 4 submitters: Uncertain significance (1); Likely benign (3). Last evaluated 2026-02-05.

Conditions:
MET-related disorder. Also called: MET-related condition.
Renal cell carcinoma. Identifiers: Orphanet 217071, MedGen C0007134, MeSH D002292, MONDO:0005086, HP:0005584.
Hereditary cancer-predisposing syndrome. Also called: Neoplastic Syndromes, Hereditary; Hereditary neoplastic syndrome; Hereditary Cancer Syndrome; Tumor predisposition. Identifiers: Orphanet 140162, MedGen C0027672, MeSH D009386, MONDO:0015356.

Allele frequency attached by ClinVar (database versions not stated): ExAC 0.00002; TOPMed 0.00011; gnomAD 0.00016 and 0.00017.
gnomAD v4.1: 69 of 1,613,828 alleles (0.0043%); highest among the groups gnomAD compares: African/African-American, 0.049%; 1 homozygote.

Submissions (4):

PreventionGenetics, part of Exact Sciences
Classification: Likely benign for MET-related condition. Last evaluated: 2026-02-05. Review status: criteria provided, single submitter. Criteria: ACMG Guidelines, 2015. Collection method: clinical testing. Allele origin: germline.
Comment: This variant is classified as likely benign based on ACMG/AMP sequence variant interpretation guidelines (Richards et al. 2015 PMID: 25741868, with internal and published modifications).

Labcorp Genetics (formerly Invitae), Labcorp
Classification: Likely benign for Renal cell carcinoma. Last evaluated: 2026-01-22. Review status: criteria provided, single submitter. Criteria: Invitae Variant Classification Sherloc (09022015). Collection method: clinical testing. Allele origin: germline.

GeneDx
Classification: Uncertain significance. Last evaluated: 2024-01-18. Review status: criteria provided, single submitter. Criteria: GeneDx Variant Classification Process June 2021. Collection method: clinical testing. Allele origin: germline. Affected: yes.
Comment: In silico analysis supports that this missense variant has a deleterious effect on protein structure/function; Has not been previously published as pathogenic or benign to our knowledge; This variant is associated with the following publications: (PMID: 35085662)

Ambry Genetics
Classification: Likely benign for Hereditary cancer-predisposing syndrome. Last evaluated: 2020-06-02. Review status: criteria provided, single submitter. Criteria: Ambry Variant Classification Scheme 2023. Collection method: clinical testing. Allele origin: germline.

NM_000245.4(MET):c.4091C>T (p.Pro1364Leu)

Gene: MET (MET proto-oncogene, receptor tyrosine kinase; plus strand). Cytogenetic location: 7q31.2.
Variant type: single nucleotide variant.
Coding change: c.4091C>T on transcript NM_000245.4 (MANE Select); coding-DNA position 4091, C replaced by T.
Protein change: p.Pro1364Leu; replaces proline 1364 with leucine.
Molecular consequence: missense variant.
Genome position (GRCh38, 1-based): chr7:116,796,042, C>T. VCF-style: chr7-116796042-C-T. GRCh37 (hg19) VCF-style: chr7-116436096-C-T.
Other names: c.4145C>T, p.Pro1382Leu (NM_001127500.3); c.2801C>T, p.Pro934Leu (NM_001324402.2); c.4145C>T (NM_001127500.2, LRG_662t1); short protein forms P1382L, P1364L, P934L.
Identifiers: ClinVar variation 246645 (VCV000246645.17), dbSNP rs752791731, ClinGen allele CA4448827.